The following is an entry in ClinVar:

ClinVar aggregate classification (germline): Uncertain significance (1 of 4 stars; one submission).

Conditions:
Joubert syndrome. Also called: CEREBELLOPARENCHYMAL DISORDER IV; JOUBERT-BOLTSHAUSER SYNDROME; Familial aplasia of the vermis. Identifiers: Orphanet 475, MedGen C5979921, MONDO:0018772.
Meckel-Gruber syndrome. Also called: DYSENCEPHALIA SPLANCHNOCYSTICA; GRUBER SYNDROME; Dysencephalia splachnocystica. Identifiers: Orphanet 564, MedGen C0265215, MONDO:0018921.

Allele frequency attached by ClinVar (database versions not stated): gnomAD exomes below 0.00001.
gnomAD v4.1: 2 of 1,613,792 alleles (0.00012%); highest among the groups gnomAD compares: Middle Eastern, 0.033%; no homozygotes.

Submission:

Labcorp Genetics (formerly Invitae), Labcorp
Classification: Uncertain significance for Joubert syndrome; Meckel-Gruber syndrome. Last evaluated: 2023-07-21. Review status: criteria provided, single submitter. Criteria: Invitae Variant Classification Sherloc (09022015). Collection method: clinical testing. Allele origin: germline.
Comment: This variant has not been reported in the literature in individuals affected with TCTN2-related conditions. This sequence change replaces aspartic acid, which is acidic and polar, with valine, which is neutral and non-polar, at codon 283 of the TCTN2 protein (p.Asp283Val). This variant is not present in population databases (gnomAD no frequency). ClinVar contains an entry for this variant (Variation ID: 1377695). Advanced modeling of protein sequence and biophysical properties (such as structural, functional, and spatial information, amino acid conservation, physicochemical variation, residue mobility, and thermodynamic stability) performed at Invitae indicates that this missense variant is expected to disrupt TCTN2 protein function. In summary, the available evidence is currently insufficient to determine the role of this variant in disease. Therefore, it has been classified as a Variant of Uncertain Significance.

NM_024809.5(TCTN2):c.848A>T (p.Asp283Val)

Gene: TCTN2 (tectonic family member 2; plus strand). Cytogenetic location: 12q24.31.
Variant type: single nucleotide variant.
Coding change: c.848A>T on transcript NM_024809.5 (MANE Select); coding-DNA position 848, A replaced by T.
Protein change: p.Asp283Val; replaces aspartic acid 283 with valine.
Molecular consequence: missense variant.
Genome position (GRCh38, 1-based): chr12:123,688,134, A>T. VCF-style: chr12-123688134-A-T. GRCh37 (hg19) VCF-style: chr12-124172681-A-T.
Other names: c.845A>T, p.Asp282Val (NM_001143850.3); short protein forms D282V, D283V.
Identifiers: ClinVar variation 1377695 (VCV001377695.6), dbSNP rs2135836324, ClinGen allele CA387137630.